The following is an entry in ClinVar:

NM_000156.6(GAMT):c.-23C>T

Genes: GAMT (guanidinoacetate N-methyltransferase; minus strand), LOC130062945 (ATAC-STARR-seq lymphoblastoid silent region 9707; plus strand). Cytogenetic location: 19p13.3.
Variant type: single nucleotide variant.
Coding change: c.-23C>T on transcript NM_000156.6 (MANE Select); 23 bases upstream of the start codon, C replaced by T.
Molecular consequence: 5 prime UTR variant.
Genome position (GRCh38, 1-based): chr19:1,401,499, G>A on the plus strand (C>T on the coding strand, the complement: GAMT is on the minus strand). VCF-style: chr19-1401499-G-A. GRCh37 (hg19) VCF-style: chr19-1401498-G-A.
Other names: c.-23C>T (NM_138924.3).
Identifiers: ClinVar variation 205573 (VCV000205573.1), dbSNP rs796052522, ClinGen allele CA314791.

ClinVar aggregate classification (germline): Likely benign (1 of 4 stars; one submission).

Allele frequency attached by ClinVar (database versions not stated): gnomAD 0.00003; TOPMed 0.00003; gnomAD exomes 0.00005 and 0.00077.
gnomAD v4.1: 64 of 1,293,766 alleles (0.0049%); highest among the groups gnomAD compares: Non-Finnish European, 0.006%; no homozygotes.

Submission:

GeneDx
Classification: Likely benign. Last evaluated: 2012-09-17. Review status: criteria provided, single submitter. Criteria: GeneDx Variant Classification (06012015). Collection method: clinical testing. Allele origin: germline. Affected: yes.
Comment: This variant is considered likely benign or benign based on one or more of the following criteria: it is a conservative change, it occurs at a poorly conserved position in the protein, it is predicted to be benign by multiple in silico algorithms, and/or has population frequency not consistent with disease.